The following is an entry in ClinVar:

ClinVar aggregate classification (germline): Likely benign. Review status: criteria provided, single submitter (1 of 4 stars). 2 submissions from 2 submitters: Likely benign (1). 1 of the submissions does not count toward it. Last evaluated 2022-08-10.

Conditions:
FBN3-related disorder. Also called: FBN3-related condition.

gnomAD v4.1: 30 of 1,613,736 alleles (0.0019%); highest among the groups gnomAD compares: Middle Eastern, 0.082%; no homozygotes.

Submissions (2):

Labcorp Genetics (formerly Invitae), Labcorp
Classification: Likely benign. Last evaluated: 2022-08-10. Review status: criteria provided, single submitter. Criteria: Invitae Variant Classification Sherloc (09022015). Collection method: clinical testing. Allele origin: germline.

PreventionGenetics, part of Exact Sciences
Classification: Likely benign for FBN3-related condition. Last evaluated: 2019-07-10. Review status: no assertion criteria provided. Collection method: clinical testing. Allele origin: germline. Not counted in ClinVar's aggregate classification.
Comment: This variant is classified as likely benign based on ACMG/AMP sequence variant interpretation guidelines (Richards et al. 2015 PMID: 25741868, with internal and published modifications).

NM_032447.5(FBN3):c.2758C>A (p.Arg920=)

Gene: FBN3 (fibrillin 3; minus strand). Cytogenetic location: 19p13.2.
Variant type: single nucleotide variant.
Coding change: c.2758C>A on transcript NM_032447.5 (MANE Select); coding-DNA position 2758, C replaced by A.
Protein change: p.Arg920=; no amino-acid change (arginine 920 retained).
Molecular consequence: synonymous variant.
Genome position (GRCh38, 1-based): chr19:8,123,982, G>T on the plus strand (C>A on the coding strand, the complement: FBN3 is on the minus strand). VCF-style: chr19-8123982-G-T. GRCh37 (hg19) VCF-style: chr19-8188866-G-T.
Other names: c.2758C>A, p.Arg920= (NM_001321431.2); c.2758C>A (NM_001321431.1).
Identifiers: ClinVar variation 1593213 (VCV001593213.10), dbSNP rs759862434, ClinGen allele CA9152717.